The following is an entry in ClinVar:

NM_001999.4(FBN2):c.1338C>G (p.Gly446=)

Gene: FBN2 (fibrillin 2; minus strand). Cytogenetic location: 5q23.3.
Variant type: single nucleotide variant.
Coding change: c.1338C>G on transcript NM_001999.4 (MANE Select); coding-DNA position 1338, C replaced by G.
Protein change: p.Gly446=; no amino-acid change (glycine 446 retained).
Molecular consequence: synonymous variant.
Genome position (GRCh38, 1-based): chr5:128,393,262, G>C on the plus strand (C>G on the coding strand, the complement: FBN2 is on the minus strand). VCF-style: chr5-128393262-G-C. GRCh37 (hg19) VCF-style: chr5-127728955-G-C.
Identifiers: ClinVar variation 416904 (VCV000416904.12), dbSNP rs1060504933, ClinGen allele CA16611694.
Genomic context (GRCh38, chr5:128,393,262, plus strand): 5'-GCCATTGCCTCCAGGGATGGGGATGAAGCCTGTCCCTCCTGGGCCATAGCCATTGCCATT[G>C]CCACTTGGGGCAAAGCCATTTCCCCCAGTGCCTCCAGGTCTGGAACCAGCACTCCCTGGA-3'
Protein context (NP_001990.2, residues 436-456): GTGGNGFAPS[Gly446=]NGNGYGPGGT

ClinVar aggregate classification (germline): Likely benign. Review status: criteria provided, multiple submitters, no conflicts (2 of 4 stars). 2 submissions from 2 submitters: Likely benign (2). Last evaluated 2025-09-23.

Conditions:
Congenital contractural arachnodactyly (CCA). Also called: BEALS SYNDROME; Beals-Hecht syndrome; Arthrogryposis, distal, type 9. Identifiers: Orphanet 115, MedGen C0220668, MONDO:0007363, OMIM 121050.

Allele frequency attached by ClinVar (database versions not stated): gnomAD exomes below 0.00001; gnomAD 0.00001; TOPMed 0.00001.
gnomAD v4.1: 3 of 1,613,996 alleles (0.00019%); highest among the groups gnomAD compares: Non-Finnish European, 0.00025%; no homozygotes.

Submissions (2):

Labcorp Genetics (formerly Invitae), Labcorp
Classification: Likely benign for Congenital contractural arachnodactyly. Last evaluated: 2025-09-23. Review status: criteria provided, single submitter. Criteria: Invitae Variant Classification Sherloc (09022015). Collection method: clinical testing. Allele origin: germline.

GeneDx
Classification: Likely benign. Last evaluated: 2018-01-25. Review status: criteria provided, single submitter. Criteria: GeneDx Variant Classification (06012015). Collection method: clinical testing. Allele origin: germline. Affected: yes.
Comment: This variant is considered likely benign or benign based on one or more of the following criteria: it is a conservative change, it occurs at a poorly conserved position in the protein, it is predicted to be benign by multiple in silico algorithms, and/or has population frequency not consistent with disease.